The following is an entry in ClinVar:

ClinVar aggregate classification (germline): Conflicting classifications of pathogenicity. Review status: criteria provided, conflicting classifications (1 of 4 stars). 2 submissions from 2 submitters: Uncertain significance (1); Likely benign (1). Last evaluated 2025-03-05.

Conditions:
Cardiovascular phenotype. Identifiers: MedGen CN230736.
Long QT syndrome (LQTS). Identifiers: MedGen C0023976, MeSH D008133, MONDO:0002442. Disease mechanism: loss of function. Inheritance: Various modes of inheritance.

Allele frequency attached by ClinVar (database versions not stated): TOPMed 0.00001; ExAC 0.00002; gnomAD exomes 0.00001.
gnomAD v4.1: 6 of 1,610,972 alleles (0.00037%); highest among the groups gnomAD compares: Admixed American, 0.01%; no homozygotes.

Submissions (2):

Labcorp Genetics (formerly Invitae), Labcorp
Classification: Uncertain significance for Long QT syndrome. Last evaluated: 2025-03-05. Review status: criteria provided, single submitter. Criteria: Invitae Variant Classification Sherloc (09022015). Collection method: clinical testing. Allele origin: germline.
Comment: This sequence change replaces lysine, which is basic and polar, with asparagine, which is neutral and polar, at codon 1080 of the AKAP9 protein (p.Lys1080Asn). This variant is present in population databases (rs767204829, gnomAD 0.01%). This variant has not been reported in the literature in individuals affected with AKAP9-related conditions. ClinVar contains an entry for this variant (Variation ID: 2962264). An algorithm developed to predict the effect of missense changes on protein structure and function outputs the following: PolyPhen-2: "Benign". The asparagine amino acid residue is found in multiple mammalian species, which suggests that this missense change does not adversely affect protein function. In summary, the available evidence is currently insufficient to determine the role of this variant in disease. Therefore, it has been classified as a Variant of Uncertain Significance.

Ambry Genetics
Classification: Likely benign for Cardiovascular phenotype. Last evaluated: 2023-12-28. Review status: criteria provided, single submitter. Criteria: Ambry Variant Classification Scheme 2023. Collection method: clinical testing. Allele origin: germline.

NM_005751.5(AKAP9):c.3240G>T (p.Lys1080Asn)

Gene: AKAP9 (A-kinase anchoring protein 9; plus strand). Cytogenetic location: 7q21.2.
Variant type: single nucleotide variant.
Coding change: c.3240G>T on transcript NM_005751.5 (MANE Select); coding-DNA position 3240, G replaced by T.
Protein change: p.Lys1080Asn; replaces lysine 1080 with asparagine.
Molecular consequence: missense variant.
Genome position (GRCh38, 1-based): chr7:92,003,157, G>T. VCF-style: chr7-92003157-G-T. GRCh37 (hg19) VCF-style: chr7-91632471-G-T.
Other names: c.3240G>T, p.Lys1080Asn (NM_147185.3); short protein forms K1080N.
Identifiers: ClinVar variation 2962264 (VCV002962264.4), dbSNP rs767204829, ClinGen allele CA4336257.